The following is an entry in ClinVar:

NM_002957.6(RXRA):c.295A>G (p.Asn99Asp)

Gene: RXRA (retinoid X receptor alpha; plus strand). Cytogenetic location: 9q34.2.
Variant type: single nucleotide variant.
Coding change: c.295A>G on transcript NM_002957.6 (MANE Select); coding-DNA position 295, A replaced by G.
Protein change: p.Asn99Asp; replaces asparagine 99 with aspartic acid.
Molecular consequence: missense variant.
Genome position (GRCh38, 1-based): chr9:134,408,164, A>G. VCF-style: chr9-134408164-A-G. GRCh37 (hg19) VCF-style: chr9-137300010-A-G.
Other names: c.214A>G, p.Asn72Asp (NM_001291920.2); c.4A>G, p.Asn2Asp (NM_001291921.2); short protein forms N2D, N72D, N99D.
Identifiers: ClinVar variation 5020840 (VCV005020840.1).

ClinVar aggregate classification (germline): Uncertain significance (1 of 4 stars; one submission).

Submission:

Dasa
Classification: Uncertain significance. Last evaluated: 2025-10-07. Review status: criteria provided, single submitter. Criteria: DASA Assertion Criteria. Collection method: clinical testing. Allele origin: germline.
Comment: NM_002957.6(RXRA):c.295A>G (p.Asn99Asp) is a missense variant that results in the substitution of asparagine with aspartic acid. This variant is absent from population databases. The currently available literature and clinical evidence are not sufficient to establish a definitive association between this variant and the reported condition. Therefore, this variant is classified as a variant of uncertain significance.